The following is an entry in ClinVar:

ClinVar aggregate classification (germline): Uncertain significance (1 of 4 stars; one submission).

Conditions:
Bethlem myopathy 2 (BTHLM2). Identifiers: Orphanet 536516, Orphanet 610, MedGen C4225313, MONDO:0034022, OMIM 616471.

gnomAD v4.1: 1 of 1,558,866 alleles (0.000064%); highest among the groups gnomAD compares: Non-Finnish European, 0.000086%; no homozygotes.

Submission:

Neuberg Centre For Genomic Medicine, NCGM
Classification: Uncertain significance for Bethlem myopathy 2. Review status: criteria provided, single submitter. Criteria: ACMG Guidelines, 2015. Collection method: clinical testing. Allele origin: germline. Inheritance: Autosomal dominant inheritance. Affected: yes.
Comment: The missense variant in c.7883G>A (p.Gly2628Asp) in COL12A1 gene has not been reported previously as a pathogenic variant nor as a benign variant, to our knowledge. The p.Gly2628Asp variant is novel (not in any individuals) in gnomAD Exomes and 1000 Genomes. The amino acid Glycine at position 2628 is changed to a Aspartic acid changing protein sequence and it might alter its composition and physico-chemical properties. The variant is predicted to be damaging by both SIFT and PolyPhen2. The residue is conserved across species. For these reasons, this variant has been classified as Uncertain Significance.

NM_004370.6(COL12A1):c.7883G>A (p.Gly2628Asp)

Gene: COL12A1 (collagen type XII alpha 1 chain; minus strand). Cytogenetic location: 6q13.
Variant type: single nucleotide variant.
Coding change: c.7883G>A on transcript NM_004370.6 (MANE Select); coding-DNA position 7883, G replaced by A.
Protein change: p.Gly2628Asp; replaces glycine 2628 with aspartic acid.
Molecular consequence: missense variant.
Genome position (GRCh38, 1-based): chr6:75,113,271, C>T on the plus strand (G>A on the coding strand, the complement: COL12A1 is on the minus strand). VCF-style: chr6-75113271-C-T. GRCh37 (hg19) VCF-style: chr6-75822987-C-T.
Other names: c.7883G>A, p.Gly2628Asp (NM_001424113.1); c.7862G>A, p.Gly2621Asp (NM_001424114.1); c.7610G>A, p.Gly2537Asp (NM_001424115.1); c.4391G>A, p.Gly1464Asp (NM_001424116.1, NM_080645.3); short protein forms G1464D, G2537D, G2628D, G2621D.
Identifiers: ClinVar variation 2585233 (VCV002585233.1), dbSNP rs1582069073, ClinGen allele CA364743745.
Genomic context (GRCh38, chr6:75,113,271, plus strand): 5'-AAACTTCCATAAAATAATGTCTTTACTTCTTCTGTGTCAAATGTAACAGTTTGCACCTCG[C>T]CTCTTGTATCCTTGTTAAAGAATGATAACGTCTTGCTAGAAGCTGTAATCAACATAAAAG-3'
Protein context (NP_004361.3, residues 2618-2638): TLSFFNKDTR[Gly2628Asp]EVQTVTFDTE